The following is an entry in ClinVar:

ClinVar aggregate classification (germline): Uncertain significance (1 of 4 stars; one submission).

Submission:

Women's Health and Genetics/Laboratory Corporation of America, LabCorp
Classification: Uncertain significance. Last evaluated: 2024-11-20. Review status: criteria provided, single submitter. Criteria: LabCorp Variant Classification Summary - May 2015. Collection method: clinical testing. Allele origin: germline.
Comment: Variant summary: BMP1 c.1640A>G (p.Glu547Gly) results in a non-conservative amino acid change located in the CUB domain profile (IPR000859) of the encoded protein sequence. Four of five in-silico tools predict a damaging effect of the variant on protein function. The variant allele was found at a frequency of 8.4e-06 in 238508 control chromosomes. The available data on variant occurrences in the general population are insufficient to allow any conclusion about variant significance. c.1640A>G has been reported in the literature in at least one heterozygous individuals affected with Osteogenesis Imperfecta without reported second variant (e.g. Nagaoka_2021). This report does not provide unequivocal conclusions about association of the variant with Osteogenesis Imperfecta. To our knowledge, no experimental evidence demonstrating an impact on protein function has been reported. The following publication has been ascertained in the context of this evaluation (PMID: 33452237). No submitters have cited clinical-significance assessments for this variant to ClinVar. Based on the evidence outlined above, the variant was classified as uncertain significance.

Literature cited by the submitters: PubMed 33452237.

NM_006129.5(BMP1):c.1640A>G (p.Glu547Gly)

Genes: BMP1 (bone morphogenetic protein 1; plus strand), LOC113788269 (BRD4-independent group 4 enhancer GRCh37_chr8:22052064-22053263; plus strand). Cytogenetic location: 8p21.3.
Variant type: single nucleotide variant.
Coding change: c.1640A>G on transcript NM_006129.5 (MANE Select); coding-DNA position 1640, A replaced by G.
Protein change: p.Glu547Gly; replaces glutamic acid 547 with glycine.
Molecular consequence: missense variant. On other transcripts: non-coding transcript variant (2).
Genome position (GRCh38, 1-based): chr8:22,195,462, A>G. VCF-style: chr8-22195462-A-G. GRCh37 (hg19) VCF-style: chr8-22052975-A-G.
Other names: c.1640A>G, p.Glu547Gly (NM_001199.4); short protein forms E547G.
Identifiers: ClinVar variation 3629950 (VCV003629950.1).
Genomic context (GRCh38, chr8:22,195,462, plus strand): 5'-ACAGCCAGCTTCTTCCCTTGAATGCCTGGAGTCTGTGACACCCTTTCCTTCCCACCACAG[A>G]GGTGGACGAGTGCTCTCGGCCCAACCGCGGGGGCTGTGAGCAGCGGTGCCTCAACACCCT-3'
Protein context (NP_006120.1, residues 537-557): KAGFAVNFFK[Glu547Gly]VDECSRPNRG